The following is an entry in ClinVar:

NM_199420.4(POLQ):c.5359C>T (p.Pro1787Ser)

Gene: POLQ (DNA polymerase theta; minus strand). Cytogenetic location: 3q13.33.
Variant type: single nucleotide variant.
Coding change: c.5359C>T on transcript NM_199420.4 (MANE Select); coding-DNA position 5359, C replaced by T.
Protein change: p.Pro1787Ser; replaces proline 1787 with serine.
Molecular consequence: missense variant.
Genome position (GRCh38, 1-based): chr3:121,487,572, G>A on the plus strand (C>T on the coding strand, the complement: POLQ is on the minus strand). VCF-style: chr3-121487572-G-A. GRCh37 (hg19) VCF-style: chr3-121206419-G-A.
Other names: short protein forms P1787S.
Identifiers: ClinVar variation 3230055 (VCV003230055.1), dbSNP rs930576574, ClinGen allele CA81833053.

ClinVar aggregate classification (germline): Uncertain significance (1 of 4 stars; one submission).

Allele frequency attached by ClinVar (database versions not stated): gnomAD 0.00001; TOPMed 0.00002.
gnomAD v4.1: 3 of 1,613,878 alleles (0.00019%); highest among the groups gnomAD compares: Non-Finnish European, 0.00025%; no homozygotes.

Submission:

Ambry Genetics
Classification: Uncertain significance. Last evaluated: 2024-02-22. Review status: criteria provided, single submitter. Criteria: Ambry Variant Classification Scheme 2023. Collection method: clinical testing. Allele origin: germline.
Comment: The p.P1787S variant (also known as c.5359C>T), located in coding exon 16 of the POLQ gene, results from a C to T substitution at nucleotide position 5359. The proline at codon 1787 is replaced by serine, an amino acid with similar properties. This amino acid position is conserved. In addition, this alteration is predicted to be tolerated by in silico analysis. Based on the available evidence, the clinical significance of this alteration remains unclear.